The following is an entry in ClinVar:

NM_032043.3(BRIP1):c.764A>G (p.Gln255Arg)

Gene: BRIP1 (BRCA1 interacting DNA helicase 1; minus strand). Cytogenetic location: 17q23.2.
Variant type: single nucleotide variant.
Coding change: c.764A>G on transcript NM_032043.3 (MANE Select); coding-DNA position 764, A replaced by G.
Protein change: p.Gln255Arg; replaces glutamine 255 with arginine.
Molecular consequence: missense variant.
Genome position (GRCh38, 1-based): chr17:61,808,621, T>C on the plus strand (A>G on the coding strand, the complement: BRIP1 is on the minus strand). VCF-style: chr17-61808621-T-C. GRCh37 (hg19) VCF-style: chr17-59885982-T-C.
Other names: short protein forms Q255R.
Identifiers: ClinVar variation 573394 (VCV000573394.15), dbSNP rs1567838107, ClinGen allele CA400484958.

ClinVar aggregate classification (germline): Uncertain significance. Review status: criteria provided, multiple submitters, no conflicts (2 of 4 stars). 3 submissions from 3 submitters: Uncertain significance (3). Last evaluated 2026-03-31.

Conditions:
Hereditary cancer-predisposing syndrome. Also called: Tumor predisposition; Hereditary Cancer Syndrome; Neoplastic Syndromes, Hereditary; Hereditary neoplastic syndrome. Identifiers: Orphanet 140162, MedGen C0027672, MeSH D009386, MONDO:0015356.
Fanconi anemia complementation group J. Also called: BRIP1-Related Fanconi Anemia. Identifiers: Orphanet 84, MedGen C1836860, MONDO:0012187, OMIM 609054.
Familial cancer of breast. Also called: hereditary breast carcinoma; Hereditary breast cancer; BREAST CANCER, FAMILIAL. Identifiers: Orphanet 227535, MedGen C0346153, MONDO:0016419, OMIM 114480. Disease mechanism: loss of function.

Allele frequency attached by ClinVar (database versions not stated): gnomAD exomes below 0.00001.
gnomAD v4.1: 2 of 1,614,032 alleles (0.00012%); highest among the groups gnomAD compares: Non-Finnish European, 0.00017%; no homozygotes.

Submissions (3):

Ambry Genetics
Classification: Uncertain significance for Hereditary cancer-predisposing syndrome. Last evaluated: 2026-03-31. Review status: criteria provided, single submitter. Criteria: Ambry Variant Classification Scheme 2023. Collection method: clinical testing. Allele origin: germline.
Comment: The p.Q255R variant (also known as c.764A>G), located in coding exon 6 of the BRIP1 gene, results from an A to G substitution at nucleotide position 764. The glutamine at codon 255 is replaced by arginine, an amino acid with highly similar properties. This amino acid position is highly conserved in available vertebrate species. In addition, this alteration is predicted to be deleterious by in silico analysis. Based on the available evidence, the clinical significance of this variant remains unclear.

Labcorp Genetics (formerly Invitae), Labcorp
Classification: Uncertain significance for Familial cancer of breast; Fanconi anemia complementation group J. Last evaluated: 2024-03-20. Review status: criteria provided, single submitter. Criteria: Invitae Variant Classification Sherloc (09022015). Collection method: clinical testing. Allele origin: germline.
Comment: This sequence change replaces glutamine, which is neutral and polar, with arginine, which is basic and polar, at codon 255 of the BRIP1 protein (p.Gln255Arg). This variant is not present in population databases (gnomAD no frequency). This variant has not been reported in the literature in individuals affected with BRIP1-related conditions. ClinVar contains an entry for this variant (Variation ID: 573394). Advanced modeling of protein sequence and biophysical properties (such as structural, functional, and spatial information, amino acid conservation, physicochemical variation, residue mobility, and thermodynamic stability) performed at Invitae indicates that this missense variant is expected to disrupt BRIP1 protein function with a positive predictive value of 80%. In summary, the available evidence is currently insufficient to determine the role of this variant in disease. Therefore, it has been classified as a Variant of Uncertain Significance.

Color Diagnostics, LLC DBA Color Health
Classification: Uncertain significance for Hereditary cancer-predisposing syndrome. Last evaluated: 2019-04-04. Review status: criteria provided, single submitter. Criteria: ACMG Guidelines, 2015. Collection method: clinical testing. Allele origin: germline.